The following is an entry in ClinVar:

NM_005902.4(SMAD3):c.1190A>G (p.Glu397Gly)

Gene: SMAD3 (SMAD family member 3; plus strand). Cytogenetic location: 15q22.33.
Variant type: single nucleotide variant.
Coding change: c.1190A>G on transcript NM_005902.4 (MANE Select); coding-DNA position 1190, A replaced by G.
Protein change: p.Glu397Gly; replaces glutamic acid 397 with glycine.
Molecular consequence: missense variant.
Genome position (GRCh38, 1-based): chr15:67,190,448, A>G. VCF-style: chr15-67190448-A-G. GRCh37 (hg19) VCF-style: chr15-67482786-A-G.
Other names: c.875A>G, p.Glu292Gly (NM_001145102.2); c.1058A>G, p.Glu353Gly (NM_001145103.2); c.605A>G, p.Glu202Gly (NM_001145104.2); short protein forms E397G, E353G, E202G, E292G.
Identifiers: ClinVar variation 477568 (VCV000477568.8), dbSNP rs1060500765, ClinGen allele CA392958741.

ClinVar aggregate classification (germline): Uncertain significance (1 of 4 stars; one submission).

Conditions:
Familial thoracic aortic aneurysm and aortic dissection (TAAD). Also called: Thoracic aortic aneurysms and dissections. Identifiers: Orphanet 91387, MedGen C4707243, MONDO:0019625.

Submission:

Labcorp Genetics (formerly Invitae), Labcorp
Classification: Uncertain significance for Familial thoracic aortic aneurysm and aortic dissection. Last evaluated: 2017-10-24. Review status: criteria provided, single submitter. Criteria: Invitae Variant Classification Sherloc (09022015). Collection method: clinical testing. Allele origin: germline.
Comment: This sequence change replaces glutamic acid with glycine at codon 397 of the SMAD3 protein (p.Glu397Gly). The glutamic acid residue is highly conserved and there is a moderate physicochemical difference between glutamic acid and glycine. This variant is not present in population databases (ExAC no frequency). This variant has not been reported in the literature in individuals with SMAD3-related disease. Algorithms developed to predict the effect of missense changes on protein structure and function do not agree on the potential impact of this missense change (SIFT: "Deleterious"; PolyPhen-2: "Probably Damaging"; Align-GVGD: "Class C0"). In summary, the available evidence is currently insufficient to determine the role of this variant in disease. Therefore, it has been classified as a Variant of Uncertain Significance.